The following is an entry in ClinVar:

NM_003126.4(SPTA1):c.716A>C (p.Gln239Pro)

Gene: SPTA1 (spectrin alpha, erythrocytic 1; minus strand). Cytogenetic location: 1q23.1.
Variant type: single nucleotide variant.
Coding change: c.716A>C on transcript NM_003126.4 (MANE Select); coding-DNA position 716, A replaced by C.
Protein change: p.Gln239Pro; replaces glutamine 239 with proline.
Molecular consequence: missense variant.
Genome position (GRCh38, 1-based): chr1:158,678,497, T>G on the plus strand (A>C on the coding strand, the complement: SPTA1 is on the minus strand). VCF-style: chr1-158678497-T-G. GRCh37 (hg19) VCF-style: chr1-158648287-T-G.
Other names: p.Gln239Pro; short protein forms Q239P.
Identifiers: ClinVar variation 4541743 (VCV004541743.1).
Genomic context (GRCh38, chr1:158,678,497, plus strand): 5'-GCTTTCTGTCTCTGGAGAGCCAAACCACGAAGGCGCTCCCAGGCAGCATTCACCTCATTT[T>G]GCTTAGACTGAATTAAGGGTAGGTCAGGATGGTTTTCCTGTTGAAGGAAAACAACACTGG-3'
Protein context (NP_003117.2, residues 229-249): HPDLPLIQSK[Gln239Pro]NEVNAAWERL

ClinVar aggregate classification (germline): Uncertain significance (1 of 4 stars; one submission).

Submission:

Mayo Clinic Laboratories, Mayo Clinic
Classification: Uncertain significance. Last evaluated: 2025-06-24. Review status: criteria provided, single submitter. Criteria: ACMG Guidelines, 2015. Collection method: clinical testing. Allele origin: germline. Observed: 1 variant allele.
Comment: PM2_supporting